The following is an entry in ClinVar:

NM_003848.4(SUCLG2):c.1123_1124delinsAA (p.Gly375Lys)

Gene: SUCLG2 (succinate-CoA ligase GDP-forming subunit beta; minus strand). Cytogenetic location: 3p14.1.
Variant type: Indel.
Coding change: c.1123_1124delinsAA on transcript NM_003848.4 (MANE Select); coding-DNA positions 1123 to 1124, GG replaced by AA.
Protein change: p.Gly375Lys; replaces glycine 375 with lysine.
Molecular consequence: missense variant.
Genome position (GRCh38, 1-based): chr3:67,400,790-67,400,791, CC replaced by TT on the plus strand (GG replaced by AA on the coding strand, the reverse complement: SUCLG2 is on the minus strand). VCF-style: chr3-67400790-CC-TT. GRCh37 (hg19) VCF-style: chr3-67451214-CC-TT.
Other names: c.1123_1124delinsAA, p.Gly375Lys (NM_001177599.2); short protein forms G375K.
Identifiers: ClinVar variation 3623605 (VCV003623605.2).
Genomic context (GRCh38, chr3:67,400,790, plus strand): 5'-CCTTCAAGCCGGACCACCAGGGGCACCTTGAGTTCTAGCTCCCGGCAGGCTTTGGTGATC[CC>TT]ATTGGCAATGATGGCACAGTTGACGATACCACCAAATATATTGACAAGGATGGCTTCAAC-3'
Protein context (NP_003839.2, residues 365-385): GIVNCAIIAN[Gly375Lys]ITKACRELEL

ClinVar aggregate classification (germline): Uncertain significance (1 of 4 stars; one submission).

Submission:

Labcorp Genetics (formerly Invitae), Labcorp
Classification: Uncertain significance. Last evaluated: 2024-11-10. Review status: criteria provided, single submitter. Criteria: Invitae Variant Classification Sherloc (09022015). Collection method: clinical testing. Allele origin: germline.
Comment: This sequence change replaces glycine, which is neutral and non-polar, with lysine, which is basic and polar, at codon 375 of the SUCLG2 protein (p.Gly375Lys). Information on the frequency of this variant in the gnomAD database is not available, as this variant may be reported differently in the database. This variant has not been reported in the literature in individuals affected with SUCLG2-related conditions. An algorithm developed to predict the effect of missense changes on protein structure and function (PolyPhen-2) suggests that this variant is likely to be disruptive. In summary, the available evidence is currently insufficient to determine the role of this variant in disease. Therefore, it has been classified as a Variant of Uncertain Significance.